The following is an entry in ClinVar:

ClinVar aggregate classification (germline): Conflicting classifications of pathogenicity. Review status: criteria provided, conflicting classifications (1 of 4 stars). 3 submissions from 3 submitters: Uncertain significance (1); Likely benign (1). 1 of the submissions does not count toward it. Last evaluated 2025-12-08.

Conditions:
LYST-related disorder. Also called: LYST-related condition.
Chédiak-Higashi syndrome (CHS). Also called: Chediak-Higashi Syndrome. Identifiers: Orphanet 167, MedGen C0007965, MONDO:0008963, OMIM 214500.

Allele frequency attached by ClinVar (database versions not stated): TOPMed below 0.00001; gnomAD exomes 0.00001; ExAC 0.00003.
gnomAD v4.1: 18 of 1,604,626 alleles (0.0011%); highest among the groups gnomAD compares: Admixed American, 0.0084%; no homozygotes.

Submissions (3):

Labcorp Genetics (formerly Invitae), Labcorp
Classification: Likely benign for Chédiak-Higashi syndrome. Last evaluated: 2025-12-08. Review status: criteria provided, single submitter. Criteria: Invitae Variant Classification Sherloc (09022015). Collection method: clinical testing. Allele origin: germline.

Illumina Laboratory Services, Illumina
Classification: Uncertain significance for Chédiak-Higashi syndrome. Last evaluated: 2018-01-12. Review status: criteria provided, single submitter. Criteria: ICSL Variant Classification Criteria 13 December 2019. Collection method: clinical testing. Allele origin: germline.

PreventionGenetics, part of Exact Sciences
Classification: Likely benign for LYST-related condition. Last evaluated: 2019-05-21. Review status: no assertion criteria provided. Collection method: clinical testing. Allele origin: germline. Not counted in ClinVar's aggregate classification.
Comment: This variant is classified as likely benign based on ACMG/AMP sequence variant interpretation guidelines (Richards et al. 2015 PMID: 25741868, with internal and published modifications).

NM_000081.4(LYST):c.4053A>G (p.Ser1351=)

Gene: LYST (lysosomal trafficking regulator; minus strand). Cytogenetic location: 1q42.3.
Variant type: single nucleotide variant.
Coding change: c.4053A>G on transcript NM_000081.4 (MANE Select); coding-DNA position 4053, A replaced by G.
Protein change: p.Ser1351=; no amino-acid change (serine 1351 retained).
Molecular consequence: synonymous variant.
Genome position (GRCh38, 1-based): chr1:235,793,566, T>C on the plus strand (A>G on the coding strand, the complement: LYST is on the minus strand). VCF-style: chr1-235793566-T-C. GRCh37 (hg19) VCF-style: chr1-235956866-T-C.
Other names: c.4053A>G, p.Ser1351= (NM_001301365.1).
Identifiers: ClinVar variation 874939 (VCV000874939.9), dbSNP rs752123968, ClinGen allele CA1466931.